The following is an entry in ClinVar:

ClinVar aggregate classification (germline): Uncertain significance (1 of 4 stars; one submission).

Conditions:
Developmental and epileptic encephalopathy, 31A. Also called: Epileptic encephalopathy, early infantile, 31; Developmental and epileptic encephalopathy, 31. Identifiers: Orphanet 2382, MedGen C4225357, MONDO:0014598, OMIM 616346.

Submission:

Labcorp Genetics (formerly Invitae), Labcorp
Classification: Uncertain significance for Developmental and epileptic encephalopathy, 31A. Last evaluated: 2022-08-23. Review status: criteria provided, single submitter. Criteria: Invitae Variant Classification Sherloc (09022015). Collection method: clinical testing. Allele origin: germline.
Comment: This sequence change affects codon 515 of the DNM1 mRNA. It is a 'silent' change, meaning that it does not change the encoded amino acid sequence of the DNM1 protein. This variant also falls at the last nucleotide of exon 13, which is part of the consensus splice site for this exon. This variant is not present in population databases (gnomAD no frequency). This variant has not been reported in the literature in individuals affected with DNM1-related conditions. Variants that disrupt the consensus splice site are a relatively common cause of aberrant splicing (PMID: 17576681, 9536098). Algorithms developed to predict the effect of sequence changes on RNA splicing suggest that this variant is not likely to affect RNA splicing. In summary, the available evidence is currently insufficient to determine the role of this variant in disease. Therefore, it has been classified as a Variant of Uncertain Significance.

Literature cited by the submitters: PubMed 17576681; PubMed 9536098.

NM_004408.4(DNM1):c.1545G>A (p.Gln515=)

Gene: DNM1 (dynamin 1; plus strand). Cytogenetic location: 9q34.11.
Variant type: single nucleotide variant.
Coding change: c.1545G>A on transcript NM_004408.4 (MANE Select); coding-DNA position 1545, G replaced by A.
Protein change: p.Gln515=; no amino-acid change (glutamine 515 retained).
Molecular consequence: synonymous variant.
Genome position (GRCh38, 1-based): chr9:128,239,779, G>A. VCF-style: chr9-128239779-G-A. GRCh37 (hg19) VCF-style: chr9-131002058-G-A.
Other names: c.1545G>A, p.Gln515= (NM_001005336.3, NM_001288737.2, NM_001288738.2 and 2 more transcripts).
Identifiers: ClinVar variation 2168869 (VCV002168869.4), dbSNP rs2539064412, ClinGen allele CA467279652.